The following is an entry in ClinVar:

ClinVar aggregate classification (germline): Likely pathogenic (0 of 4 stars; one submission).

Conditions:
Pyruvate dehydrogenase E1-alpha deficiency (PDHAD). Also called: ATAXIA, INTERMITTENT, WITH PYRUVATE DEHYDROGENASE DEFICIENCY; ATAXIA WITH LACTIC ACIDOSIS I; ATAXIA, INTERMITTENT, WITH ABNORMAL PYRUVATE METABOLISM; Ataxia, intermittent, with pyruvate dehydrogenase, or decarboxylase, deficiency. Identifiers: Orphanet 79243, MedGen C1839413, MONDO:0010717, OMIM 312170.

Submission:

PDHA1 Study Group, University Children’s Hospital, Paracelsus Medical University
Classification: Likely pathogenic for Pyruvate dehydrogenase E1-alpha deficiency. Last evaluated: 2024-10-15. Review status: no assertion criteria provided. Collection method: research. Allele origin: de novo. Affected: yes. Observed: 1 variant allele.
Comment: The NM_000284.3:c.495C>T (p.?) variant affects splicing in PDHA1 gene. Among them, 1 case had confirmed de novo occurrence. Last literature search: July 12, 2024. This variant is absent or extremely rare in population-based cohorts in the Genome Aggregation Database (gnomAD). Individuals harboring this variant presented with clinical features compatible with PDHA1-related PDHc deficiency. In summary, this variant meets criteria to be classified as likely pathogenic (LP) for PDHA1-related PDHc deficiency based on the ACMG/AMP criteria applied: PS2, PM2, PM7, PP4 (last assessment October 15, 2024).

Literature cited by the submitters: DOI 10.1093/brain/awaf430.

NM_000284.4(PDHA1):c.495C>T (p.Gly165=)

Gene: PDHA1 (pyruvate dehydrogenase E1 subunit alpha 1; plus strand). Cytogenetic location: Xp22.12.
Variant type: single nucleotide variant.
Coding change: c.495C>T on transcript NM_000284.4 (MANE Select); coding-DNA position 495, C replaced by T.
Protein change: p.Gly165=; no amino-acid change (glycine 165 retained).
Molecular consequence: synonymous variant.
Genome position (GRCh38, 1-based): chrX:19,353,158, C>T. VCF-style: chrX-19353158-C-T. GRCh37 (hg19) VCF-style: chrX-19371276-C-T.
Other names: c.609C>T, p.Gly203= (NM_001173454.2); c.516C>T, p.Gly172= (NM_001173455.2); c.495C>T, p.Gly165= (NM_001173456.2).
Identifiers: ClinVar variation 4070331 (VCV004070331.1).
Genomic context (GRCh38, chrX:19,353,158, plus strand): 5'-TGCTAAAGGGAAAGGAGGATCGATGCACATGTATGCCAAGAACTTCTACGGGGGCAATGG[C>T]ATCGTGGGAGCGCAGGTAGTCAAGGACGAGGATTGTGTGCTGCTTTAGATTTGGCCCTGG-3'
Protein context (NP_000275.1, residues 155-175): MYAKNFYGGN[Gly165=]IVGAQVPLGA